The following is an entry in ClinVar:

NM_014908.4(DOLK):c.477G>C (p.Leu159Phe)

Gene: DOLK (dolichol kinase; minus strand). Cytogenetic location: 9q34.11.
Variant type: single nucleotide variant.
Coding change: c.477G>C on transcript NM_014908.4 (MANE Select); coding-DNA position 477, G replaced by C.
Protein change: p.Leu159Phe; replaces leucine 159 with phenylalanine.
Molecular consequence: missense variant.
Genome position (GRCh38, 1-based): chr9:128,946,827, C>G on the plus strand (G>C on the coding strand, the complement: DOLK is on the minus strand). VCF-style: chr9-128946827-C-G. GRCh37 (hg19) VCF-style: chr9-131709106-C-G.
Other names: short protein forms L159F.
Identifiers: ClinVar variation 2112135 (VCV002112135.4), dbSNP rs2492004924, ClinGen allele CA375125412.

ClinVar aggregate classification (germline): Uncertain significance (1 of 4 stars; one submission).

Conditions:
DK1-congenital disorder of glycosylation. Also called: CONGENITAL DISORDER OF GLYCOSYLATION, TYPE Im; DK1-CDG; DOLK-congenital disorder of glycosylation; Carbohydrate deficient glycoprotein syndrome type 1m; CDG Im; DK1 DEFICIENCY. Identifiers: Orphanet 91131, MedGen C1835849, MONDO:0012556, OMIM 610768.

Submission:

Labcorp Genetics (formerly Invitae), Labcorp
Classification: Uncertain significance for DK1-congenital disorder of glycosylation. Last evaluated: 2022-03-14. Review status: criteria provided, single submitter. Criteria: Invitae Variant Classification Sherloc (09022015). Collection method: clinical testing. Allele origin: germline.
Comment: In summary, the available evidence is currently insufficient to determine the role of this variant in disease. Therefore, it has been classified as a Variant of Uncertain Significance. Algorithms developed to predict the effect of missense changes on protein structure and function are either unavailable or do not agree on the potential impact of this missense change (SIFT: "Tolerated"; PolyPhen-2: "Probably Damaging"; Align-GVGD: "Class C0"). This variant has not been reported in the literature in individuals affected with DOLK-related conditions. This variant is not present in population databases (gnomAD no frequency). This sequence change replaces leucine, which is neutral and non-polar, with phenylalanine, which is neutral and non-polar, at codon 159 of the DOLK protein (p.Leu159Phe).